The following is an entry in ClinVar:

NM_032447.5(FBN3):c.464G>T (p.Cys155Phe)

Gene: FBN3 (fibrillin 3; minus strand). Cytogenetic location: 19p13.2.
Variant type: single nucleotide variant.
Coding change: c.464G>T on transcript NM_032447.5 (MANE Select); coding-DNA position 464, G replaced by T.
Protein change: p.Cys155Phe; replaces cysteine 155 with phenylalanine.
Molecular consequence: missense variant.
Genome position (GRCh38, 1-based): chr19:8,144,954, C>A on the plus strand (G>T on the coding strand, the complement: FBN3 is on the minus strand). VCF-style: chr19-8144954-C-A. GRCh37 (hg19) VCF-style: chr19-8209838-C-A.
Other names: c.464G>T, p.Cys155Phe (NM_001321431.2); short protein forms C155F.
Identifiers: ClinVar variation 3683797 (VCV003683797.2).

ClinVar aggregate classification (germline): Uncertain significance (1 of 4 stars; one submission).

gnomAD v4.1: 5 of 1,610,838 alleles (0.00031%); highest among the groups gnomAD compares: Admixed American, 0.0034%; no homozygotes.

Submission:

Labcorp Genetics (formerly Invitae), Labcorp
Classification: Uncertain significance. Last evaluated: 2025-07-31. Review status: criteria provided, single submitter. Criteria: Invitae Variant Classification Sherloc (09022015). Collection method: clinical testing. Allele origin: germline.
Comment: This sequence change replaces cysteine, which is neutral and slightly polar, with phenylalanine, which is neutral and non-polar, at codon 155 of the FBN3 protein (p.Cys155Phe). The frequency data for this variant in the population databases is considered unreliable, as metrics indicate poor data quality at this position in the gnomAD database. This variant has not been reported in the literature in individuals affected with FBN3-related conditions. ClinVar contains an entry for this variant (Variation ID: 3683797). An algorithm developed to predict the effect of missense changes on protein structure and function (PolyPhen-2) suggests that this variant is likely to be disruptive. In summary, the available evidence is currently insufficient to determine the role of this variant in disease. Therefore, it has been classified as a Variant of Uncertain Significance.